The following is an entry in ClinVar:

NM_002633.3(PGM1):c.155G>A (p.Arg52Gln)

Genes: PGM1 (phosphoglucomutase 1; plus strand), LOC129930668 (ATAC-STARR-seq lymphoblastoid active region 1127; plus strand). Cytogenetic location: 1p31.3.
Variant type: single nucleotide variant.
Coding change: c.155G>A on transcript NM_002633.3 (MANE Select); coding-DNA position 155, G replaced by A.
Protein change: p.Arg52Gln; replaces arginine 52 with glutamine.
Molecular consequence: missense variant.
Genome position (GRCh38, 1-based): chr1:63,593,643, G>A. VCF-style: chr1-63593643-G-A. GRCh37 (hg19) VCF-style: chr1-64059314-G-A.
Other names: short protein forms R52Q.
Identifiers: ClinVar variation 1366132 (VCV001366132.6), dbSNP rs377179134, ClinGen allele CA23820710.

ClinVar aggregate classification (germline): Uncertain significance (1 of 4 stars; one submission).

Conditions:
PGM1-congenital disorder of glycosylation. Also called: Congenital disorder of glycosylation type 1t; PGM1 DEFICIENCY; GLYCOGEN STORAGE DISEASE XIV; PHOSPHOGLUCOMUTASE 1 DEFICIENCY; GSD XIV; CDG It. Identifiers: Orphanet 319646, MedGen C2752015, MONDO:0013968, OMIM 614921.

Allele frequency attached by ClinVar (database versions not stated): gnomAD exomes below 0.00001; ESP Exome Variant Server 0.00008.
gnomAD v4.1: 5 of 1,611,194 alleles (0.00031%); highest among the groups gnomAD compares: South Asian, 0.0033%; no homozygotes.

Submission:

Labcorp Genetics (formerly Invitae), Labcorp
Classification: Uncertain significance for PGM1-congenital disorder of glycosylation. Last evaluated: 2023-05-09. Review status: criteria provided, single submitter. Criteria: Invitae Variant Classification Sherloc (09022015). Collection method: clinical testing. Allele origin: germline.
Comment: Advanced modeling of protein sequence and biophysical properties (such as structural, functional, and spatial information, amino acid conservation, physicochemical variation, residue mobility, and thermodynamic stability) performed at Invitae indicates that this missense variant is not expected to disrupt PGM1 protein function. In summary, the available evidence is currently insufficient to determine the role of this variant in disease. Therefore, it has been classified as a Variant of Uncertain Significance. ClinVar contains an entry for this variant (Variation ID: 1366132). This variant has not been reported in the literature in individuals affected with PGM1-related conditions. This variant is not present in population databases (gnomAD no frequency). This sequence change replaces arginine, which is basic and polar, with glutamine, which is neutral and polar, at codon 52 of the PGM1 protein (p.Arg52Gln).